The following is an entry in ClinVar:

NM_152383.5(DIS3L2):c.*113T>G

Gene: DIS3L2 (DIS3 like 3'-5' exoribonuclease 2; plus strand). Cytogenetic location: 2q37.1.
Variant type: single nucleotide variant.
Coding change: c.*113T>G on transcript NM_152383.5 (MANE Select); 113 bases downstream of the stop codon, T replaced by G.
Molecular consequence: 3 prime UTR variant. On other transcripts: non-coding transcript variant (2), intron variant (1).
Genome position (GRCh38, 1-based): chr2:232,336,743, T>G. VCF-style: chr2-232336743-T-G. GRCh37 (hg19) VCF-style: chr2-233201453-T-G.
Other names: c.1582-6602T>G (NM_001257281.2).
Identifiers: ClinVar variation 897053 (VCV000897053.6), dbSNP rs116379923, ClinGen allele CA66932907.

ClinVar aggregate classification (germline): Benign/Likely benign. Review status: criteria provided, multiple submitters, no conflicts (2 of 4 stars). 2 submissions from 2 submitters: Benign (1); Likely benign (1). Last evaluated 2019-04-16.

Conditions:
Perlman syndrome (PRLMNS). Identifiers: Orphanet 2849, MedGen C0796113, MONDO:0009965, OMIM 267000.

Allele frequency attached by ClinVar (database versions not stated): gnomAD exomes 0.00103; 1000 Genomes Project 0.00779; 1000 Genomes Project 30x 0.00874; gnomAD 0.00948 and 0.01035; TOPMed 0.01042.
gnomAD v4.1: 2,896 of 1,488,052 alleles (0.19%); highest among the groups gnomAD compares: African/African-American, 3.3%; 41 homozygotes.

Submissions (2):

GeneDx
Classification: Likely benign. Last evaluated: 2019-04-16. Review status: criteria provided, single submitter. Criteria: GeneDx Variant Classification Process June 2021. Collection method: clinical testing. Allele origin: germline. Affected: yes.

Illumina Laboratory Services, Illumina
Classification: Benign for Perlman syndrome. Last evaluated: 2018-01-13. Review status: criteria provided, single submitter. Criteria: ICSL Variant Classification Criteria 13 December 2019. Collection method: clinical testing. Allele origin: germline.
Comment: This variant was observed in the ICSL laboratory as part of a predisposition screen in an ostensibly healthy population. It had not been previously curated by ICSL or reported in the Human Gene Mutation Database (HGMD: prior to June 1st, 2018), and was therefore a candidate for classification through an automated scoring system. Utilizing variant allele frequency, disease prevalence and penetrance estimates, and inheritance mode, an automated score was calculated to assess if this variant is too frequent to cause the disease. Based on the score and internal cut-off values, a variant classified as benign is not then subjected to further curation. The score for this variant resulted in a classification of benign for this disease.